The following is an entry in ClinVar:

ClinVar aggregate classification (germline): Pathogenic. Review status: reviewed by expert panel (3 of 4 stars). 3 submissions from 3 submitters: Pathogenic (1). 2 of the submissions do not count toward it. Last evaluated 2016-10-18.

Conditions:
Hereditary breast ovarian cancer syndrome. Also called: Hereditary breast and ovarian cancer syndrome (HBOC); Breast and ovarian cancer; Hereditary breast and ovarian cancer syndrome; Hereditary breast and ovarian cancer; BRCA1- and BRCA2-Associated Hereditary Breast and Ovarian Cancer; Hereditary breast and/or ovarian cancer syndrome. Identifiers: Orphanet 145, MedGen C0677776, MeSH D061325, MONDO:0003582. Disease mechanism: loss of function.
Breast-ovarian cancer, familial, susceptibility to, 1 (BROVCA1). Also called: BRCA1 Hereditary Breast and Ovarian Cancer; OVARIAN CANCER, SUSCEPTIBILITY TO. Identifiers: Orphanet 145, MedGen C2676676, MONDO:0011450, OMIM 604370. Disease mechanism: loss of function.

Allele frequency attached by ClinVar (database versions not stated): gnomAD exomes below 0.00001.

Submissions (3):

Evidence-based Network for the Interpretation of Germline Mutant Alleles (ENIGMA)
Classification: Pathogenic for Breast-ovarian cancer, familial, susceptibility to, 1. Last evaluated: 2016-10-18. Review status: reviewed by expert panel. Criteria: ENIGMA BRCA1/2 Classification Criteria (2015). Collection method: curation. Allele origin: germline.
Comment: Variant allele predicted to encode a truncated non-functional protein.

Labcorp Genetics (formerly Invitae), Labcorp
Classification: Pathogenic for Hereditary breast ovarian cancer syndrome. Last evaluated: 2018-06-18. Review status: criteria provided, single submitter. Criteria: Invitae Variant Classification Sherloc (09022015). Collection method: clinical testing. Allele origin: germline. Not counted in ClinVar's aggregate classification.
Comment: For these reasons, this variant has been classified as Pathogenic. Loss-of-function variants in BRCA1 are known to be pathogenic (PMID: 20104584). This variant has been reported in individuals with a personal and/or family history of breast cancer in the Leiden Open-source Variation Database (PMID: 21520333). ClinVar contains an entry for this variant (Variation ID: 266132). This variant is not present in population databases (ExAC no frequency). This sequence change creates a premature translational stop signal (p.Val35Serfs*15) in the BRCA1 gene. It is expected to result in an absent or disrupted protein product.

Consortium of Investigators of Modifiers of BRCA1/2 (CIMBA), c/o University of Cambridge
Classification: Pathogenic for Breast-ovarian cancer, familial, susceptibility to, 1. Last evaluated: 2015-10-02. Review status: criteria provided, single submitter. Criteria: CIMBA Mutation Classification guidelines May 2016. Collection method: clinical testing. Allele origin: germline. Not counted in ClinVar's aggregate classification.

Literature cited by the submitters: PubMed 20104584 (cited by Labcorp Genetics (formerly Invitae), Labcorp); PubMed 21520333 (cited by Labcorp Genetics (formerly Invitae), Labcorp).

NM_007294.4(BRCA1):c.102del (p.Val35fs)

Gene: BRCA1 (BRCA1 DNA repair associated; minus strand). Cytogenetic location: 17q21.31.
Variant type: Deletion.
Coding change: c.102del on transcript NM_007294.4 (MANE Select); coding-DNA position 102, one base deleted (T; older notation c.102delT).
Protein change: p.Val35fs; shifts the reading frame from valine 35.
Molecular consequence: frameshift variant. On other transcripts: non-coding transcript variant (1), intron variant (1).
Genome position (GRCh38, 1-based): chr17:43,115,758, A deleted on the plus strand (T on the coding strand, the reverse complement: BRCA1 is on the minus strand). VCF-style (leftmost placement, unchanged base first): chr17-43115757-CA-C. GRCh37 (hg19) VCF-style: chr17-41267774-CA-C.
Other names: 221delT; c.102delT, p.Val35Serfs (NM_007298.4, NM_007304.2, NM_001407581.1 and 190 more transcripts); c.102del, p.Val35fs (NM_007299.4, NM_007300.4); c.-8+8259del (NM_007297.4); c.-87delT (NM_001407571.1, NM_001407853.1, NM_001407879.1 and 52 more transcripts); c.-156delT (NM_001407694.1, NM_001407696.1, NM_001407724.1 and 13 more transcripts); c.-160delT (NM_001407695.1, NM_001408465.1); c.-40delT (NM_001407697.1, NM_001407725.1, NM_001407728.1 and 47 more transcripts); and 4 more; short protein forms V35fs.
Identifiers: ClinVar variation 266132 (VCV000266132.10), dbSNP rs886039922, ClinGen allele CA10590039.